The following is an entry in ClinVar:

ClinVar aggregate classification (germline): Uncertain significance (1 of 4 stars; one submission).

Conditions:
Neuroblastoma, susceptibility to, 3. Also called: ALK-Related Neuroblastic Tumor Susceptibility. Identifiers: Orphanet 635, MedGen C2751681, MONDO:0013083, OMIM 613014.

Submission:

Labcorp Genetics (formerly Invitae), Labcorp
Classification: Uncertain significance for Neuroblastoma, susceptibility to, 3. Last evaluated: 2025-07-30. Review status: criteria provided, single submitter. Criteria: Invitae Variant Classification Sherloc (09022015). Collection method: clinical testing. Allele origin: germline.
Comment: This sequence change falls in intron 24 of the ALK gene. It does not directly change the encoded amino acid sequence of the ALK protein. It affects a nucleotide within the consensus splice site. This variant is not present in population databases (gnomAD no frequency). This variant has not been reported in the literature in individuals affected with ALK-related conditions. Variants that disrupt the consensus splice site are a relatively common cause of aberrant splicing (PMID: 17576681, 9536098). Algorithms developed to predict the effect of sequence changes on RNA splicing suggest that this variant is not likely to affect RNA splicing. In summary, the available evidence is currently insufficient to determine the role of this variant in disease. Therefore, it has been classified as a Variant of Uncertain Significance.

Literature cited by the submitters: PubMed 17576681; PubMed 9536098.

NM_004304.5(ALK):c.3743+4A>G

Gene: ALK (ALK receptor tyrosine kinase; minus strand). Cytogenetic location: 2p23.2.
Variant type: single nucleotide variant.
Coding change: c.3743+4A>G on transcript NM_004304.5 (MANE Select); 4 bases into the intron after coding-DNA position 3743, A replaced by G.
Molecular consequence: intron variant.
Genome position (GRCh38, 1-based): chr2:29,213,980, T>C on the plus strand (A>G on the coding strand, the complement: ALK is on the minus strand). VCF-style: chr2-29213980-T-C. GRCh37 (hg19) VCF-style: chr2-29436846-T-C.
Other names: c.539+4A>G (NM_001353765.2).
Identifiers: ClinVar variation 4808433 (VCV004808433.1).